The following is an entry in ClinVar:

NM_080632.3(UPF3B):c.463G>A (p.Asp155Asn)

Gene: UPF3B (UPF3B regulator of nonsense mediated mRNA decay; minus strand). Cytogenetic location: Xq24.
Variant type: single nucleotide variant.
Coding change: c.463G>A on transcript NM_080632.3 (MANE Select); coding-DNA position 463, G replaced by A.
Protein change: p.Asp155Asn; replaces aspartic acid 155 with asparagine.
Molecular consequence: missense variant.
Genome position (GRCh38, 1-based): chrX:119,845,204, C>T on the plus strand (G>A on the coding strand, the complement: UPF3B is on the minus strand). VCF-style: chrX-119845204-C-T. GRCh37 (hg19) VCF-style: chrX-118979167-C-T.
Other names: c.463G>A, p.Asp155Asn (NM_023010.4); short protein forms D155N.
Identifiers: ClinVar variation 2176319 (VCV002176319.4), dbSNP rs1159050442, ClinGen allele CA414184973.

ClinVar aggregate classification (germline): Uncertain significance (1 of 4 stars; one submission).

Conditions:
Intellectual developmental disorder, X-linked, syndromic 14. Also called: Syndromic X-linked intellectual disability 14. Identifiers: Orphanet 776, MedGen C1970822, MONDO:0010398, OMIM 300676.

Allele frequency attached by ClinVar (database versions not stated): gnomAD exomes below 0.00001; gnomAD 0.00002; TOPMed 0.00002.

Submission:

Labcorp Genetics (formerly Invitae), Labcorp
Classification: Uncertain significance for Intellectual developmental disorder, X-linked, syndromic 14. Last evaluated: 2022-10-07. Review status: criteria provided, single submitter. Criteria: Invitae Variant Classification Sherloc (09022015). Collection method: clinical testing. Allele origin: germline.
Comment: In summary, the available evidence is currently insufficient to determine the role of this variant in disease. Therefore, it has been classified as a Variant of Uncertain Significance. Advanced modeling of protein sequence and biophysical properties (such as structural, functional, and spatial information, amino acid conservation, physicochemical variation, residue mobility, and thermodynamic stability) performed at Invitae indicates that this missense variant is not expected to disrupt UPF3B protein function. This variant has not been reported in the literature in individuals affected with UPF3B-related conditions. The frequency data for this variant in the population databases is considered unreliable, as metrics indicate poor data quality at this position in the gnomAD database. This sequence change replaces aspartic acid, which is acidic and polar, with asparagine, which is neutral and polar, at codon 155 of the UPF3B protein (p.Asp155Asn).